The following is an entry in ClinVar:

ClinVar aggregate classification (germline): Conflicting classifications of pathogenicity. Review status: criteria provided, conflicting classifications (1 of 4 stars). 6 submissions from 6 submitters: Uncertain significance (5); Likely benign (1). Last evaluated 2026-01-04.

Conditions:
Cardiovascular phenotype. Identifiers: MedGen CN230736.
Familial hypercholesterolemia. Also called: Familial hypercholesterolemias; Familial hypercholesterolaemia. Identifiers: MedGen C0020445, MONDO:0005439.
Hypercholesterolemia, autosomal dominant, 3 (FHCL3). Also called: Familial Hypercholesterolemia, Autosomal Dominant, 3; PCSK9-Related Familial Hypercholesterolemia, Autosomal Dominant; Familial hypercholesterolemia 3. Identifiers: MedGen C1863551, MONDO:0011369, OMIM 603776.

Allele frequency attached by ClinVar (database versions not stated): gnomAD exomes 0.00001; ExAC 0.00002; gnomAD 0.00002; TOPMed 0.00005; ESP Exome Variant Server 0.00008.
gnomAD v4.1: 11 of 1,613,878 alleles (0.00068%); highest among the groups gnomAD compares: South Asian, 0.0022%; no homozygotes.

Submissions (6):

Labcorp Genetics (formerly Invitae), Labcorp
Classification: Uncertain significance for Hypercholesterolemia, autosomal dominant, 3. Last evaluated: 2026-01-04. Review status: criteria provided, single submitter. Criteria: Invitae Variant Classification Sherloc (09022015). Collection method: clinical testing. Allele origin: germline.
Comment: This sequence change replaces threonine, which is neutral and polar, with isoleucine, which is neutral and non-polar, at codon 664 of the PCSK9 protein (p.Thr664Ile). This variant is present in population databases (rs369851423, gnomAD 0.003%). This variant has not been reported in the literature in individuals affected with PCSK9-related conditions. ClinVar contains an entry for this variant (Variation ID: 924977). Invitae Evidence Modeling of protein sequence and biophysical properties (such as structural, functional, and spatial information, amino acid conservation, physicochemical variation, residue mobility, and thermodynamic stability) indicates that this missense variant is not expected to disrupt PCSK9 protein function with a negative predictive value of 95%. In summary, the available evidence is currently insufficient to determine the role of this variant in disease. Therefore, it has been classified as a Variant of Uncertain Significance.

All of Us Research Program, National Institutes of Health
Classification: Uncertain significance for Hypercholesterolemia, autosomal dominant, 3. Last evaluated: 2024-03-24. Review status: criteria provided, single submitter. Criteria: ACMG Guidelines, 2015. Collection method: clinical testing. Allele origin: germline. Inheritance: Autosomal dominant inheritance. Observed: 8 variant alleles, 8 heterozygotes.
Comment: This missense variant replaces threonine with isoleucine at codon 664 of the PCSK9 protein. Computational prediction suggests that this variant may not impact protein structure and function (internally defined REVEL score threshold <= 0.5, PMID: 27666373). To our knowledge, functional studies have not been reported for this variant. This variant has not been reported in individuals affected with familial hypercholesterolemia in the literature. This variant has been identified in 2/250804 chromosomes in the general population by the Genome Aggregation Database (gnomAD). The available evidence is insufficient to determine the role of this variant in disease conclusively. Therefore, this variant is classified as a Variant of Uncertain Significance.

This study involves interpretation of variants in research participants for the purpose of population health screening. Participant phenotype was not available at the time of variant classification. Additional details can be found in publication PMID: 35346344, PMCID: PMC8962531

Color Diagnostics, LLC DBA Color Health
Classification: Uncertain significance for Familial hypercholesterolemia. Last evaluated: 2024-02-14. Review status: criteria provided, single submitter. Criteria: ACMG Guidelines, 2015. Collection method: clinical testing. Allele origin: germline.
Comment: This missense variant replaces threonine with isoleucine at codon 664 of the PCSK9 protein. Computational prediction tools indicate that this variant has a neutral impact on protein structure and function. To our knowledge, functional studies have not been reported for this variant. This variant has not been reported in individuals affected with PCSK9-related disorders in the literature. This variant has been identified in 2/250804 chromosomes in the general population by the Genome Aggregation Database (gnomAD). The available evidence is insufficient to determine the role of this variant in disease conclusively. Therefore, this variant is classified as a Variant of Uncertain Significance.

Ambry Genetics
Classification: Uncertain significance for Cardiovascular phenotype. Last evaluated: 2022-08-25. Review status: criteria provided, single submitter. Criteria: Ambry Variant Classification Scheme 2023. Collection method: clinical testing. Allele origin: germline.
Comment: The p.T664I variant (also known as c.1991C>T), located in coding exon 12 of the PCSK9 gene, results from a C to T substitution at nucleotide position 1991. The threonine at codon 664 is replaced by isoleucine, an amino acid with similar properties. This alteration was seen in a whole exome sequencing cohort in a subject with reportedly low LDL-C (Lange LA et al. Am J Hum Genet, 2014 Feb;94:233-45). This amino acid position is poorly conserved in available vertebrate species. In addition, this alteration is predicted to be tolerated by in silico analysis. Since supporting evidence is limited at this time, the clinical significance of this alteration remains unclear.

Blueprint Genetics
Classification: Likely benign. Last evaluated: 2022-07-15. Review status: criteria provided, single submitter. Criteria: ACMG Guidelines, 2015. Collection method: clinical testing. Allele origin: germline.

Fulgent Genetics
Classification: Uncertain significance for Hypercholesterolemia, autosomal dominant, 3. Last evaluated: 2021-12-23. Review status: criteria provided, single submitter. Criteria: ACMG Guidelines, 2015. Collection method: clinical testing. Allele origin: unknown.

Literature cited by the submitters: PubMed 24507775 (cited by Ambry Genetics).

NM_174936.4(PCSK9):c.1991C>T (p.Thr664Ile)

Gene: PCSK9 (proprotein convertase subtilisin/kexin type 9; plus strand). Cytogenetic location: 1p32.3.
Variant type: single nucleotide variant.
Coding change: c.1991C>T on transcript NM_174936.4 (MANE Select); coding-DNA position 1991, C replaced by T.
Protein change: p.Thr664Ile; replaces threonine 664 with isoleucine.
Molecular consequence: missense variant.
Genome position (GRCh38, 1-based): chr1:55,063,496, C>T. VCF-style: chr1-55063496-C-T. GRCh37 (hg19) VCF-style: chr1-55529169-C-T.
Other names: c.2114C>T, p.Thr705Ile (NM_001407240.1); c.2033C>T, p.Thr678Ile (NM_001407241.1); c.1994C>T, p.Thr665Ile (NM_001407242.1); c.1934C>T, p.Thr645Ile (NM_001407243.1); c.1817C>T, p.Thr606Ile (NM_001407244.1); c.1799C>T, p.Thr600Ile (NM_001407245.1); c.1616C>T, p.Thr539Ile (NM_001407246.1); c.1490C>T, p.Thr497Ile (NM_001407247.1); short protein forms T664I, T497I, T539I, T600I, T606I, T645I, T665I, T678I.
Identifiers: ClinVar variation 924977 (VCV000924977.15), dbSNP rs369851423, ClinGen allele CA040166.